The following is an entry in ClinVar:

NM_001258392.3(CLPB):c.1147G>A (p.Glu383Lys)

Genes: CLPB (ClpB family mitochondrial disaggregase; minus strand), LOC126861258 (MED14-independent group 3 enhancer GRCh37_chr11:72012242-72013441; plus strand). Cytogenetic location: 11q13.4.
Variant type: single nucleotide variant.
Coding change: c.1147G>A on transcript NM_001258392.3 (MANE Select); coding-DNA position 1147, G replaced by A.
Protein change: p.Glu383Lys; replaces glutamic acid 383 with lysine.
Molecular consequence: missense variant.
Genome position (GRCh38, 1-based): chr11:72,302,324, C>T on the plus strand (G>A on the coding strand, the complement: CLPB is on the minus strand). VCF-style: chr11-72302324-C-T. GRCh37 (hg19) VCF-style: chr11-72013368-C-T.
Other names: c.1060G>A, p.Glu354Lys (NM_001258393.3); c.1102G>A, p.Glu368Lys (NM_001258394.3); c.1237G>A, p.Glu413Lys (NM_030813.6); short protein forms E368K, E413K, E354K, E383K.
Identifiers: ClinVar variation 965747 (VCV000965747.11), dbSNP rs1949671839, ClinGen allele CA381733606.

ClinVar aggregate classification (germline): Conflicting classifications of pathogenicity. Review status: criteria provided, conflicting classifications (1 of 4 stars). 3 submissions from 3 submitters: Likely pathogenic (1); Uncertain significance (2). Last evaluated 2025-05-23.

Conditions:
3-methylglutaconic aciduria, type VIIB (MGCA7B). Also called: CLPB Deficiency; 3-methylglutaconic aciduria, type VII, with cataracts, neurologic involvement and neutropenia; 3-methylglutaconic aciduria with cataracts, neurologic involvement and neutropenia. Identifiers: Orphanet 445038, MedGen C5676893, MONDO:0014561, OMIM 616271.
3-methylglutaconic aciduria, type VIIA. Also called: 3-METHYLGLUTACONIC ACIDURIA WITH NEUROLOGIC INVOLVEMENT AND NEUTROPENIA, AUTOSOMAL DOMINANT. Identifiers: MedGen C5676967, MONDO:0859237, OMIM 619835.

Submissions (3):

Variantyx, Inc.
Classification: Likely pathogenic for 3-methylglutaconic aciduria, type VIIA. Last evaluated: 2025-05-23. Review status: criteria provided, single submitter. Criteria: Variantyx Assertion Criteria 2022. Collection method: clinical testing. Allele origin: de novo. Inheritance: Autosomal dominant inheritance. Affected: yes.
Comment: This is a nonsynonymous variant in the CLPB gene (OMIM: 616254). Pathogenic variants in this gene have been associated with autosomal dominant 3-methylglutaconic aciduria type VIIA. Computational algorithms produce conflicting evidence regarding the predicted functional impact of this variant (REVEL score: 0.545) but it lies within a known hotspot for pathogenic variants or a well-established critical functional domain of the CLPB protein (PMID: 25597510) (PM1). This variant is absent from control populations (PM2). Based on the current evidence, this variant is classified as likely pathogenic for autosomal dominant 3-methylglutaconic aciduria type VIIA.

GeneDx
Classification: Uncertain significance. Last evaluated: 2022-10-27. Review status: criteria provided, single submitter. Criteria: GeneDx Variant Classification Process June 2021. Collection method: clinical testing. Allele origin: germline. Affected: yes.
Comment: Not observed at significant frequency in large population cohorts (gnomAD); In silico analysis supports that this missense variant has a deleterious effect on protein structure/function; Has not been previously published as pathogenic or benign to our knowledge

Labcorp Genetics (formerly Invitae), Labcorp
Classification: Uncertain significance for 3-methylglutaconic aciduria, type VIIB. Last evaluated: 2019-11-06. Review status: criteria provided, single submitter. Criteria: Invitae Variant Classification Sherloc (09022015). Collection method: clinical testing. Allele origin: germline.
Comment: This sequence change replaces glutamic acid with lysine at codon 413 of the CLPB protein (p.Glu413Lys). The glutamic acid residue is highly conserved and there is a small physicochemical difference between glutamic acid and lysine. This variant is not present in population databases (ExAC no frequency). In summary, the available evidence is currently insufficient to determine the role of this variant in disease. Therefore, it has been classified as a Variant of Uncertain Significance. Algorithms developed to predict the effect of missense changes on protein structure and function are either unavailable or do not agree on the potential impact of this missense change (SIFT: "Deleterious"; PolyPhen-2: "Probably Damaging"; Align-GVGD: "Class C0"). This variant has not been reported in the literature in individuals with CLPB-related conditions.

Literature cited by the submitters: PubMed 25597510 (cited by Variantyx, Inc.).